The following is an entry in ClinVar:

NM_194255.4(SLC19A1):c.1405G>T (p.Ala469Ser)

Gene: SLC19A1 (solute carrier family 19 member 1; minus strand). Cytogenetic location: 21q22.3.
Variant type: single nucleotide variant.
Coding change: c.1405G>T on transcript NM_194255.4 (MANE Select); coding-DNA position 1405, G replaced by T.
Protein change: p.Ala469Ser; replaces alanine 469 with serine.
Molecular consequence: missense variant. On other transcripts: intron variant (2).
Genome position (GRCh38, 1-based): chr21:45,516,029, C>A on the plus strand (G>T on the coding strand, the complement: SLC19A1 is on the minus strand). VCF-style: chr21-45516029-C-A. GRCh37 (hg19) VCF-style: chr21-46935943-C-A.
Other names: c.1405G>T (NM_194255.2); c.1285G>T, p.Ala429Ser (NM_001205207.3); c.1051G>T, p.Ala351Ser (NM_001352510.2); c.1405G>T, p.Ala469Ser (NM_001352512.2); c.1294-877G>T (NM_001352511.3, NM_001205206.4); short protein forms A351S, A429S, A469S.
Identifiers: ClinVar variation 1405819 (VCV001405819.10), dbSNP rs560827689, ClinGen allele CA10068295.

ClinVar aggregate classification (germline): Uncertain significance. Review status: criteria provided, multiple submitters, no conflicts (2 of 4 stars). 3 submissions from 3 submitters: Uncertain significance (3). Last evaluated 2023-11-27.

Allele frequency attached by ClinVar (database versions not stated): ExAC 0.00003; gnomAD exomes 0.00006 and 0.00011; 1000 Genomes Project 0.00020; gnomAD 0.00023 and 0.00024; 1000 Genomes Project 30x 0.00031; TOPMed 0.00032.
gnomAD v4.1: 145 of 1,578,472 alleles (0.0092%); highest among the groups gnomAD compares: Middle Eastern, 0.1%; no homozygotes.

Submissions (3):

Ambry Genetics
Classification: Uncertain significance. Last evaluated: 2023-11-27. Review status: criteria provided, single submitter. Criteria: Ambry Variant Classification Scheme 2023. Collection method: clinical testing. Allele origin: germline.

Labcorp Genetics (formerly Invitae), Labcorp
Classification: Uncertain significance. Last evaluated: 2022-11-12. Review status: criteria provided, single submitter. Criteria: Invitae Variant Classification Sherloc (09022015). Collection method: clinical testing. Allele origin: germline.
Comment: This sequence change replaces alanine, which is neutral and non-polar, with serine, which is neutral and polar, at codon 469 of the SLC19A1 protein (p.Ala469Ser). This variant is present in population databases (rs560827689, gnomAD 0.08%), and has an allele count higher than expected for a pathogenic variant. This variant has not been reported in the literature in individuals affected with SLC19A1-related conditions. ClinVar contains an entry for this variant (Variation ID: 1405819). Algorithms developed to predict the effect of missense changes on protein structure and function (SIFT, PolyPhen-2, Align-GVGD) all suggest that this variant is likely to be tolerated. In summary, the available evidence is currently insufficient to determine the role of this variant in disease. Therefore, it has been classified as a Variant of Uncertain Significance.

Breakthrough Genomics
Classification: Uncertain significance. Review status: criteria provided, single submitter. Criteria: ACMG Guidelines, 2015. Collection method: not provided. Allele origin: germline. Inheritance: Autosomal dominant inheritance. Affected: yes.